The following is an entry in ClinVar:

ClinVar aggregate classification (germline): Uncertain significance. Review status: criteria provided, multiple submitters, no conflicts (2 of 4 stars). 5 submissions from 5 submitters: Uncertain significance (5). Last evaluated 2024-05-20.

Conditions:
Hereditary cancer-predisposing syndrome. Also called: Neoplastic Syndromes, Hereditary; Hereditary Cancer Syndrome; Hereditary neoplastic syndrome; Tumor predisposition. Identifiers: Orphanet 140162, MedGen C0027672, MeSH D009386, MONDO:0015356.
Cardiovascular phenotype. Identifiers: MedGen CN230736.
Juvenile myelomonocytic leukemia (JMML). Also called: LEUKEMIA, JUVENILE MYELOMONOCYTIC, SOMATIC. Identifiers: Orphanet 86834, MedGen C0349639, MONDO:0011908, OMIM 607785, HP:0012209.
Neurofibromatosis, type 1 (NF1). Also called: VON RECKLINGHAUSEN DISEASE; Peripheral type neurofibromatosis; NEUROFIBROMATOSIS, TYPE I, SOMATIC; Neurofibromatosis, type I. Identifiers: Orphanet 636, MedGen C0027831, MONDO:0018975, OMIM 162200. Disease mechanism: loss of function.

Allele frequency attached by ClinVar (database versions not stated): gnomAD exomes below 0.00001; TOPMed below 0.00001.
gnomAD v4.1: 1 of 1,609,000 alleles (0.000062%); no homozygotes.

Submissions (5):

Labcorp Genetics (formerly Invitae), Labcorp
Classification: Uncertain significance for Neurofibromatosis, type 1. Last evaluated: 2024-05-20. Review status: criteria provided, single submitter. Criteria: Invitae Variant Classification Sherloc (09022015). Collection method: clinical testing. Allele origin: germline.
Comment: This sequence change replaces isoleucine, which is neutral and non-polar, with leucine, which is neutral and non-polar, at codon 396 of the NF1 protein (p.Ile396Leu). This variant is present in population databases (no rsID available, gnomAD 0.01%). This variant has not been reported in the literature in individuals affected with NF1-related conditions. ClinVar contains an entry for this variant (Variation ID: 457523). An algorithm developed to predict the effect of missense changes on protein structure and function (PolyPhen-2) suggests that this variant is likely to be tolerated. In summary, the available evidence is currently insufficient to determine the role of this variant in disease. Therefore, it has been classified as a Variant of Uncertain Significance.

Baylor Genetics
Classification: Uncertain significance for Juvenile myelomonocytic leukemia. Last evaluated: 2023-08-01. Review status: criteria provided, single submitter. Criteria: ACMG Guidelines, 2015. Collection method: clinical testing. Allele origin: unknown.

Genome-Nilou Lab
Classification: Uncertain significance for Neurofibromatosis, type 1. Last evaluated: 2022-03-15. Review status: criteria provided, single submitter. Criteria: ACMG Guidelines, 2015. Collection method: clinical testing. Allele origin: germline. Affected: no.

Ambry Genetics
Classification: Uncertain significance for Cardiovascular phenotype; Hereditary cancer-predisposing syndrome. Last evaluated: 2020-09-23. Review status: criteria provided, single submitter. Criteria: Ambry Variant Classification Scheme 2023. Collection method: clinical testing. Allele origin: germline.
Comment: The p.I396L variant (also known as c.1186A>C), located in coding exon 11 of the NF1 gene, results from an A to C substitution at nucleotide position 1186. This variant impacts the first base pair of coding exon 11. The isoleucine at codon 396 is replaced by leucine, an amino acid with highly similar properties. This amino acid position is well conserved in available vertebrate species. In addition, this alteration is predicted to be tolerated by in silico analysis. Since supporting evidence is limited at this time, the clinical significance of this alteration remains unclear.

Blueprint Genetics
Classification: Uncertain significance. Last evaluated: 2020-05-28. Review status: criteria provided, single submitter. Criteria: ACMG Guidelines, 2015. Collection method: clinical testing. Allele origin: germline.

NM_001042492.3(NF1):c.1186A>C (p.Ile396Leu)

Gene: NF1 (neurofibromin 1; plus strand). Cytogenetic location: 17q11.2.
Variant type: single nucleotide variant.
Coding change: c.1186A>C on transcript NM_001042492.3 (MANE Select); coding-DNA position 1186, A replaced by C.
Protein change: p.Ile396Leu; replaces isoleucine 396 with leucine.
Molecular consequence: missense variant.
Genome position (GRCh38, 1-based): chr17:31,201,411, A>C. VCF-style: chr17-31201411-A-C. GRCh37 (hg19) VCF-style: chr17-29528429-A-C.
Other names: c.1186A>C, p.Ile396Leu (NM_000267.4, NM_001128147.3); short protein forms I396L.
Identifiers: ClinVar variation 457523 (VCV000457523.12), dbSNP rs1413735911, ClinGen allele CA398997406.